The following is an entry in ClinVar:

ClinVar aggregate classification (germline): Uncertain significance (1 of 4 stars; one submission).

Conditions:
Hereditary cancer-predisposing syndrome. Also called: Tumor predisposition; Hereditary Cancer Syndrome; Hereditary neoplastic syndrome; Neoplastic Syndromes, Hereditary. Identifiers: Orphanet 140162, MedGen C0027672, MeSH D009386, MONDO:0015356.

Submission:

Ambry Genetics
Classification: Uncertain significance for Hereditary cancer-predisposing syndrome. Last evaluated: 2024-04-08. Review status: criteria provided, single submitter. Criteria: Ambry Variant Classification Scheme 2023. Collection method: clinical testing. Allele origin: germline.
Comment: The p.L344Q variant (also known as c.1031T>A), located in coding exon 6 of the CTNNA1 gene, results from a T to A substitution at nucleotide position 1031. The leucine at codon 344 is replaced by glutamine, an amino acid with dissimilar properties. This amino acid position is conserved. In addition, this alteration is predicted to be deleterious by in silico analysis. Based on the available evidence, the clinical significance of this variant remains unclear.

NM_001903.5(CTNNA1):c.1031T>A (p.Leu344Gln)

Gene: CTNNA1 (catenin alpha 1; plus strand). Cytogenetic location: 5q31.2.
Variant type: single nucleotide variant.
Coding change: c.1031T>A on transcript NM_001903.5 (MANE Select); coding-DNA position 1031, T replaced by A.
Protein change: p.Leu344Gln; replaces leucine 344 with glutamine.
Molecular consequence: missense variant.
Genome position (GRCh38, 1-based): chr5:138,827,687, T>A. VCF-style: chr5-138827687-T-A. GRCh37 (hg19) VCF-style: chr5-138163376-T-A.
Other names: c.1031T>A, p.Leu344Gln (NM_001290307.3, NM_001323982.2, NM_001323983.1 and 3 more transcripts); c.722T>A, p.Leu241Gln (NM_001290309.3); c.662T>A, p.Leu221Gln (NM_001290310.3); short protein forms L221Q, L241Q, L344Q.
Identifiers: ClinVar variation 3270089 (VCV003270089.1).